The following is an entry in ClinVar:

ClinVar aggregate classification (germline): Uncertain significance. Review status: criteria provided, multiple submitters, no conflicts (2 of 4 stars). 3 submissions from 3 submitters: Uncertain significance (3). Last evaluated 2024-12-16.

Conditions:
Inborn genetic diseases. Identifiers: MedGen C0950123, MeSH D030342.
Arthrogryposis, distal, type 1A. Also called: ARTHROGRYPOSIS MULTIPLEX CONGENITA, DISTAL, TYPE I. Identifiers: Orphanet 1146, MedGen C6022280, MONDO:0007157, OMIM 108120.

Allele frequency attached by ClinVar (database versions not stated): gnomAD 0.00001; TOPMed 0.00002; gnomAD exomes 0.00003.

Submissions (3):

Labcorp Genetics (formerly Invitae), Labcorp
Classification: Uncertain significance for Arthrogryposis, distal, type 1A. Last evaluated: 2024-12-16. Review status: criteria provided, single submitter. Criteria: Invitae Variant Classification Sherloc (09022015). Collection method: clinical testing. Allele origin: germline.
Comment: This sequence change replaces methionine, which is neutral and non-polar, with valine, which is neutral and non-polar, at codon 146 of the TPM2 protein (p.Met146Val). This variant is present in population databases (rs764320619, gnomAD 0.007%). This variant has not been reported in the literature in individuals affected with TPM2-related conditions. ClinVar contains an entry for this variant (Variation ID: 657563). Invitae Evidence Modeling of protein sequence and biophysical properties (such as structural, functional, and spatial information, amino acid conservation, physicochemical variation, residue mobility, and thermodynamic stability) indicates that this missense variant is not expected to disrupt TPM2 protein function with a negative predictive value of 80%. In summary, the available evidence is currently insufficient to determine the role of this variant in disease. Therefore, it has been classified as a Variant of Uncertain Significance.

Ambry Genetics
Classification: Uncertain significance for Inborn genetic diseases. Last evaluated: 2024-01-12. Review status: criteria provided, single submitter. Criteria: Ambry Variant Classification Scheme 2023. Collection method: clinical testing. Allele origin: germline.

Revvity Omics, Revvity
Classification: Uncertain significance. Last evaluated: 2019-08-19. Review status: criteria provided, single submitter. Criteria: ACMG Guidelines, 2015. Collection method: clinical testing. Allele origin: germline.

NM_003289.4(TPM2):c.436A>G (p.Met146Val)

Gene: TPM2 (tropomyosin 2; minus strand). Cytogenetic location: 9p13.3.
Variant type: single nucleotide variant.
Coding change: c.436A>G on transcript NM_003289.4 (MANE Select); coding-DNA position 436, A replaced by G.
Protein change: p.Met146Val; replaces methionine 146 with valine.
Molecular consequence: missense variant.
Genome position (GRCh38, 1-based): chr9:35,685,490, T>C on the plus strand (A>G on the coding strand, the complement: TPM2 is on the minus strand). VCF-style: chr9-35685490-T-C. GRCh37 (hg19) VCF-style: chr9-35685487-T-C.
Other names: c.436A>G, p.Met146Val (NM_001301226.2, NM_001301227.2, NM_213674.1); short protein forms M146V.
Identifiers: ClinVar variation 657563 (VCV000657563.14), dbSNP rs764320619, ClinGen allele CA192757981.
Genomic context (GRCh38, chr9:35,685,490, plus strand): 5'-TCACCTCTTCATATTTGCGGTCTGAATCCTCAGCGATGTGCTTGGCCTCCTTCAGCTGCA[T>C]CTCCTGCAGTTCCATCTTCTCCTCATCCTTCATGGCCCGGTTTTCGATGACCTTCATTCC-3'
Protein context (NP_003280.2, residues 136-156): KDEEKMELQE[Met146Val]QLKEAKHIAE